The following is an entry in ClinVar:

ClinVar aggregate classification (germline): Uncertain significance (1 of 4 stars; one submission).

Conditions:
Hereditary cancer-predisposing syndrome. Also called: Tumor predisposition; Neoplastic Syndromes, Hereditary; Hereditary Cancer Syndrome; Hereditary neoplastic syndrome. Identifiers: Orphanet 140162, MedGen C0027672, MeSH D009386, MONDO:0015356.

Submission:

Ambry Genetics
Classification: Uncertain significance for Hereditary cancer-predisposing syndrome. Last evaluated: 2024-09-08. Review status: criteria provided, single submitter. Criteria: Ambry Variant Classification Scheme 2023. Collection method: clinical testing. Allele origin: germline.
Comment: The p.E492V variant (also known as c.1475A>T), located in coding exon 10 of the CTNNA1 gene, results from an A to T substitution at nucleotide position 1475. The glutamic acid at codon 492 is replaced by valine, an amino acid with dissimilar properties. This amino acid position is conserved. In addition, the in silico prediction for this alteration is inconclusive. Based on the available evidence, the clinical significance of this variant remains unclear.

NM_001903.5(CTNNA1):c.1475A>T (p.Glu492Val)

Gene: CTNNA1 (catenin alpha 1; plus strand). Cytogenetic location: 5q31.2.
Variant type: single nucleotide variant.
Coding change: c.1475A>T on transcript NM_001903.5 (MANE Select); coding-DNA position 1475, A replaced by T.
Protein change: p.Glu492Val; replaces glutamic acid 492 with valine.
Molecular consequence: missense variant.
Genome position (GRCh38, 1-based): chr5:138,917,827, A>T. VCF-style: chr5-138917827-A-T. GRCh37 (hg19) VCF-style: chr5-138253516-A-T.
Other names: c.1475A>T, p.Glu492Val (NM_001290307.3, NM_001323982.2, NM_001323983.1 and 2 more transcripts); c.1166A>T, p.Glu389Val (NM_001290309.3); c.1106A>T, p.Glu369Val (NM_001290310.3); c.365A>T, p.Glu122Val (NM_001290312.1, NM_001323987.1, NM_001323988.1 and 17 more transcripts); c.1382A>T, p.Glu461Val (NM_001323986.2); c.26A>T, p.Glu9Val (NM_001324006.1, NM_001324007.1, NM_001324008.1 and 2 more transcripts); c.272A>T, p.Glu91Val (NM_001324011.1); c.122A>T, p.Glu41Val (NM_001324012.1, NM_001324013.1); short protein forms E369V, E461V, E492V, E91V, E9V, E122V, E389V, E41V.
Identifiers: ClinVar variation 3498240 (VCV003498240.1).